The following is an entry in ClinVar:

NM_007194.4(CHEK2):c.668_669del (p.Met222_Ser223insTer)

Gene: CHEK2 (checkpoint kinase 2; minus strand). Cytogenetic location: 22q12.1.
Variant type: Deletion.
Coding change: c.668_669del on transcript NM_007194.4 (MANE Select); coding-DNA positions 668 to 669, 2 bases deleted (CA; older notation c.668_669delCA).
Protein change: p.Met222_Ser223insTer.
Molecular consequence: nonsense. On other transcripts: intron variant (1).
Genome position (GRCh38, 1-based): chr22:28,719,409-28,719,410, TG deleted on the plus strand (CA on the coding strand, the reverse complement: CHEK2 is on the minus strand). VCF-style (leftmost placement, unchanged base first): chr22-28719408-TTG-T. GRCh37 (hg19) VCF-style: chr22-29115396-TTG-T.
Other names: c.797_798del, p.Met265_Ser266insTer (NM_001005735.3, NM_001438294.1); c.5_6del, p.Met1_Ser2insTer (NM_001257387.3, NM_001437942.1); c.761_762del, p.Met253_Ser254insTer (NM_001438293.1, NM_001438295.1); c.668_669del, p.Met222_Ser223insTer (NM_145862.3); c.482+5476_482+5477del (NM_001349956.3).
Identifiers: ClinVar variation 3724732 (VCV003724732.2).

ClinVar aggregate classification (germline): Pathogenic (1 of 4 stars; one submission).

Conditions:
Familial cancer of breast. Also called: Hereditary breast cancer; BREAST CANCER, FAMILIAL; hereditary breast carcinoma. Identifiers: Orphanet 227535, MedGen C0346153, MONDO:0016419, OMIM 114480. Disease mechanism: loss of function.

Submission:

Labcorp Genetics (formerly Invitae), Labcorp
Classification: Pathogenic for Familial cancer of breast. Last evaluated: 2024-11-06. Review status: criteria provided, single submitter. Criteria: Invitae Variant Classification Sherloc (09022015). Collection method: clinical testing. Allele origin: germline.
Comment: This sequence change creates a premature translational stop signal (p.Ser223*) in the CHEK2 gene. It is expected to result in an absent or disrupted protein product. Loss-of-function variants in CHEK2 are known to be pathogenic (PMID: 21876083, 24713400). This variant is not present in population databases (gnomAD no frequency). This variant has not been reported in the literature in individuals affected with CHEK2-related conditions. For these reasons, this variant has been classified as Pathogenic.

Literature cited by the submitters: PubMed 21876083; PubMed 24713400.